The following is an entry in ClinVar:

ClinVar aggregate classification (germline): Likely pathogenic (1 of 4 stars; one submission).

Conditions:
Dilated cardiomyopathy 1G (CMD1G). Identifiers: Orphanet 154, MedGen C1858763, MONDO:0011400, OMIM 604145.
Autosomal recessive limb-girdle muscular dystrophy type 2J (LGMDR10). Also called: Limb-girdle muscular dystrophy, type 2J; MUSCULAR DYSTROPHY, LIMB-GIRDLE, AUTOSOMAL RECESSIVE 10. Identifiers: Orphanet 140922, MedGen C1837342, MONDO:0012127, OMIM 608807.

Submission:

Labcorp Genetics (formerly Invitae), Labcorp
Classification: Likely pathogenic for Dilated cardiomyopathy 1G; Autosomal recessive limb-girdle muscular dystrophy type 2J. Last evaluated: 2023-12-06. Review status: criteria provided, single submitter. Criteria: Invitae Variant Classification Sherloc (09022015). Collection method: clinical testing. Allele origin: germline.
Comment: This sequence change creates a premature translational stop signal (p.Asn34440Glnfs*16) in the TTN gene. While this is not anticipated to result in nonsense mediated decay, it is expected to create a truncated TTN protein. This variant is not present in population databases (gnomAD no frequency). This variant has not been reported in the literature in individuals affected with TTN-related conditions. This variant is located in the M band of TTN (PMID: 25589632). Truncating variants in this region have been previously reported in individuals affected with autosomal recessive myopathy and muscular dystrophy (PMID: 18948003, 23975875, 24395473). Truncating variants in this region have also been identified in individuals affected with autosomal dominant dilated cardiomyopathy and/or cardio-related conditions (PMID: 27869827, 32964742). In summary, the currently available evidence indicates that the variant is pathogenic, but additional data are needed to prove that conclusively. Therefore, this variant has been classified as Likely Pathogenic.

Literature cited by the submitters: PubMed 25589632; PubMed 18948003; PubMed 23975875; PubMed 24395473; PubMed 27869827; PubMed 32964742.

NM_001267550.2(TTN):c.103317_103320del (p.Asn34440fs)

Genes: TTN (titin; minus strand), TTN-AS1 (TTN antisense RNA 1; plus strand). Cytogenetic location: 2q31.2.
Variant type: Deletion.
Coding change: c.103317_103320del on transcript NM_001267550.2 (MANE Select); coding-DNA positions 103317 to 103320, 4 bases deleted (TAAC; older notation c.103317_103320delTAAC).
Protein change: p.Asn34440fs; shifts the reading frame from asparagine 34440.
Molecular consequence: frameshift variant.
Genome position (GRCh38, 1-based): chr2:178,533,295-178,533,298, GTTA deleted on the plus strand (TAAC on the coding strand, the reverse complement: TTN is on the minus strand); deleting any 4 consecutive bases within chr2:178,533,295-178,533,300 gives the same sequence; the c. name uses the placement nearest the transcript's 3' end. VCF-style (leftmost placement, unchanged base first): chr2-178533294-TGTTA-T. GRCh37 (hg19) VCF-style: chr2-179398021-TGTTA-T.
Other names: c.98394_98397del, p.Asn32799fs (NM_001256850.1); c.76122_76125del, p.Asn25375fs (NM_003319.4); c.95613_95616del, p.Asn31872fs (NM_133378.4); c.76497_76500del, p.Asn25500fs (NM_133432.3); c.76698_76701del, p.Asn25567fs (NM_133437.4); short protein forms N25375fs, N34440fs, N25567fs, N32799fs, N25500fs, N31872fs.
Identifiers: ClinVar variation 2946911 (VCV002946911.3), dbSNP rs2468487088, ClinGen allele CA2740095896.